The following is an entry in ClinVar:

ClinVar aggregate classification (germline): Uncertain significance (1 of 4 stars; one submission).

Allele frequency attached by ClinVar (database versions not stated): TOPMed 0.00001; ExAC 0.00001; gnomAD 0.00001.
gnomAD v4.1: 3 of 1,612,544 alleles (0.00019%); highest among the groups gnomAD compares: Non-Finnish European, 0.00025%; no homozygotes.

Submission:

Labcorp Genetics (formerly Invitae), Labcorp
Classification: Uncertain significance. Last evaluated: 2022-04-18. Review status: criteria provided, single submitter. Criteria: Invitae Variant Classification Sherloc (09022015). Collection method: clinical testing. Allele origin: germline.
Comment: This sequence change replaces isoleucine, which is neutral and non-polar, with valine, which is neutral and non-polar, at codon 108 of the EIF2AK3 protein (p.Ile108Val). This variant is present in population databases (rs763921692, gnomAD 0.0009%). This variant has not been reported in the literature in individuals affected with EIF2AK3-related conditions. Algorithms developed to predict the effect of missense changes on protein structure and function (SIFT, PolyPhen-2, Align-GVGD) all suggest that this variant is likely to be tolerated. In summary, the available evidence is currently insufficient to determine the role of this variant in disease. Therefore, it has been classified as a Variant of Uncertain Significance.

NM_004836.7(EIF2AK3):c.322A>G (p.Ile108Val)

Gene: EIF2AK3 (eukaryotic translation initiation factor 2 alpha kinase 3; minus strand). Cytogenetic location: 2p11.2.
Variant type: single nucleotide variant.
Coding change: c.322A>G on transcript NM_004836.7 (MANE Select); coding-DNA position 322, A replaced by G.
Protein change: p.Ile108Val; replaces isoleucine 108 with valine.
Molecular consequence: missense variant. On other transcripts: 5 prime UTR variant (1).
Genome position (GRCh38, 1-based): chr2:88,613,840, T>C on the plus strand (A>G on the coding strand, the complement: EIF2AK3 is on the minus strand). VCF-style: chr2-88613840-T-C. GRCh37 (hg19) VCF-style: chr2-88913358-T-C.
Other names: c.-132A>G (NM_001313915.2); short protein forms I108V.
Identifiers: ClinVar variation 1937430 (VCV001937430.2), dbSNP rs763921692, ClinGen allele CA1754953.
Genomic context (GRCh38, chr2:88,613,840, plus strand): 5'-ACTGCTTTTTACCATGATTTTCAGGATCCAAGGCAGCAATTCTCCCATCTAAAGTGCTGA[T>C]AATTACTAATGACCTGTAAATATTAAAAATATTTTTAAAATTAACAGATATCTAAGATAT-3'
Protein context (NP_004827.4, residues 98-118): LRPRGRSLVI[Ile108Val]STLDGRIAAL